The following is an entry in ClinVar:

ClinVar aggregate classification (germline): Uncertain significance (1 of 4 stars; one submission).

Submission:

Labcorp Genetics (formerly Invitae), Labcorp
Classification: Uncertain significance. Last evaluated: 2024-04-07. Review status: criteria provided, single submitter. Criteria: Invitae Variant Classification Sherloc (09022015). Collection method: clinical testing. Allele origin: germline.
Comment: This sequence change replaces proline, which is neutral and non-polar, with alanine, which is neutral and non-polar, at codon 206 of the CDH2 protein (p.Pro206Ala). This variant is not present in population databases (gnomAD no frequency). This variant has not been reported in the literature in individuals affected with CDH2-related conditions. An algorithm developed to predict the effect of missense changes on protein structure and function (PolyPhen-2) suggests that this variant is likely to be disruptive. In summary, the available evidence is currently insufficient to determine the role of this variant in disease. Therefore, it has been classified as a Variant of Uncertain Significance.

NM_001792.5(CDH2):c.616C>G (p.Pro206Ala)

Gene: CDH2 (cadherin 2; minus strand). Cytogenetic location: 18q12.1.
Variant type: single nucleotide variant.
Coding change: c.616C>G on transcript NM_001792.5 (MANE Select); coding-DNA position 616, C replaced by G.
Protein change: p.Pro206Ala; replaces proline 206 with alanine.
Molecular consequence: missense variant.
Genome position (GRCh38, 1-based): chr18:28,009,803, G>C on the plus strand (C>G on the coding strand, the complement: CDH2 is on the minus strand). VCF-style: chr18-28009803-G-C. GRCh37 (hg19) VCF-style: chr18-25589767-G-C.
Other names: c.523C>G, p.Pro175Ala (NM_001308176.2); short protein forms P175A, P206A.
Identifiers: ClinVar variation 3642975 (VCV003642975.2).